The following is an entry in ClinVar:

ClinVar aggregate classification (germline): Uncertain significance. Review status: criteria provided, multiple submitters, no conflicts (2 of 4 stars). 2 submissions from 2 submitters: Uncertain significance (2). Last evaluated 2025-09-01.

Conditions:
Inborn genetic diseases. Identifiers: MedGen C0950123, MeSH D030342.

Allele frequency attached by ClinVar (database versions not stated): gnomAD 0.00001; ExAC 0.00001; TOPMed 0.00002; gnomAD exomes 0.00001.

Submissions (2):

Ambry Genetics
Classification: Uncertain significance for Inborn genetic diseases. Last evaluated: 2025-09-01. Review status: criteria provided, single submitter. Criteria: Ambry Variant Classification Scheme 2023. Collection method: clinical testing. Allele origin: germline.

Labcorp Genetics (formerly Invitae), Labcorp
Classification: Uncertain significance. Last evaluated: 2025-04-21. Review status: criteria provided, single submitter. Criteria: Invitae Variant Classification Sherloc (09022015). Collection method: clinical testing. Allele origin: germline.
Comment: This sequence change replaces serine, which is neutral and polar, with phenylalanine, which is neutral and non-polar, at codon 193 of the CSF2RB protein (p.Ser193Phe). This variant is present in population databases (rs745658011, gnomAD 0.007%). This variant has not been reported in the literature in individuals affected with CSF2RB-related conditions. ClinVar contains an entry for this variant (Variation ID: 2909390). Invitae Evidence Modeling of protein sequence and biophysical properties (such as structural, functional, and spatial information, amino acid conservation, physicochemical variation, residue mobility, and thermodynamic stability) indicates that this missense variant is not expected to disrupt CSF2RB protein function with a negative predictive value of 80%. In summary, the available evidence is currently insufficient to determine the role of this variant in disease. Therefore, it has been classified as a Variant of Uncertain Significance.

NM_000395.3(CSF2RB):c.578C>T (p.Ser193Phe)

Gene: CSF2RB (colony stimulating factor 2 receptor subunit beta; plus strand). Cytogenetic location: 22q12.3.
Variant type: single nucleotide variant.
Coding change: c.578C>T on transcript NM_000395.3 (MANE Select); coding-DNA position 578, C replaced by T.
Protein change: p.Ser193Phe; replaces serine 193 with phenylalanine.
Molecular consequence: missense variant.
Genome position (GRCh38, 1-based): chr22:36,929,667, C>T. VCF-style: chr22-36929667-C-T. GRCh37 (hg19) VCF-style: chr22-37325709-C-T.
Other names: c.578C>T (NM_000395.2); c.578C>T, p.Ser193Phe (NM_001410827.1); short protein forms S193F.
Identifiers: ClinVar variation 2909390 (VCV002909390.4), dbSNP rs745658011, ClinGen allele CA10213519.